The following is an entry in ClinVar:

NM_001060.6(TBXA2R):c.892A>T (p.Thr298Ser)

Gene: TBXA2R (thromboxane A2 receptor; minus strand). Cytogenetic location: 19p13.3.
Variant type: single nucleotide variant.
Coding change: c.892A>T on transcript NM_001060.6 (MANE Select); coding-DNA position 892, A replaced by T.
Protein change: p.Thr298Ser; replaces threonine 298 with serine.
Molecular consequence: missense variant.
Genome position (GRCh38, 1-based): chr19:3,595,828, T>A on the plus strand (A>T on the coding strand, the complement: TBXA2R is on the minus strand). VCF-style: chr19-3595828-T-A. GRCh37 (hg19) VCF-style: chr19-3595826-T-A.
Other names: c.892A>T, p.Thr298Ser (NM_201636.3); short protein forms T298S.
Identifiers: ClinVar variation 3340837 (VCV003340837.1).

ClinVar aggregate classification (germline): Uncertain significance (1 of 4 stars; one submission).

gnomAD v4.1: 3 of 1,611,716 alleles (0.00019%); highest among the groups gnomAD compares: Non-Finnish European, 0.00025%; no homozygotes.

Submission:

GeneDx
Classification: Uncertain significance. Last evaluated: 2023-06-13. Review status: criteria provided, single submitter. Criteria: GeneDx Variant Classification Process June 2021. Collection method: clinical testing. Allele origin: germline. Affected: yes.
Comment: Not observed at significant frequency in large population cohorts (gnomAD); In silico analysis supports that this missense variant does not alter protein structure/function; Has not been previously published as pathogenic or benign to our knowledge